The following is an entry in ClinVar:

NM_015338.6(ASXL1):c.2422C>G (p.Pro808Ala)

Gene: ASXL1 (ASXL transcriptional regulator 1; plus strand). Cytogenetic location: 20q11.21.
Variant type: single nucleotide variant.
Coding change: c.2422C>G on transcript NM_015338.6 (MANE Select); coding-DNA position 2422, C replaced by G.
Protein change: p.Pro808Ala; replaces proline 808 with alanine.
Molecular consequence: missense variant.
Genome position (GRCh38, 1-based): chr20:32,435,134, C>G. VCF-style: chr20-32435134-C-G. GRCh37 (hg19) VCF-style: chr20-31022937-C-G.
Other names: c.2239C>G, p.Pro747Ala (NM_001363734.1); short protein forms P747A, P808A.
Identifiers: ClinVar variation 4589082 (VCV004589082.1).

ClinVar aggregate classification (germline): Uncertain significance (1 of 4 stars; one submission).

Conditions:
Inborn genetic diseases. Identifiers: MedGen C0950123, MeSH D030342.

gnomAD v4.1: 3 of 1,613,804 alleles (0.00019%); highest among the groups gnomAD compares: African/African-American, 0.0027%; no homozygotes.

Submission:

Ambry Genetics
Classification: Uncertain significance for Inborn genetic diseases. Last evaluated: 2025-12-10. Review status: criteria provided, single submitter. Criteria: Ambry Variant Classification Scheme 2023. Collection method: clinical testing. Allele origin: germline.
Comment: The p.P808A variant (also known as c.2422C>G), located in coding exon 13 of the ASXL1 gene, results from a C to G substitution at nucleotide position 2422. The proline at codon 808 is replaced by alanine, an amino acid with highly similar properties. This amino acid position is conserved. In addition, this alteration is predicted to be tolerated by in silico analysis. Based on the available evidence, the clinical significance of this variant remains unclear.